The following is an entry in ClinVar:

ClinVar aggregate classification (germline): Uncertain significance (1 of 4 stars; one submission).

Conditions:
RYR1-related disorder. Also called: RYR1-related disorders; RYR1-related condition. Identifiers: MedGen CN239331.
Autosomal dominant centronuclear myopathy. Also called: Myopathy, centronuclear, 3; MYOTUBULAR MYOPATHY, AUTOSOMAL DOMINANT. Identifiers: Orphanet 169189, MedGen C4551952, MeSH D020914, MONDO:0008048, OMIM 160150.
Malignant hyperthermia, susceptibility to, 1 (MHS1). Also called: Malignant hyperthermia suceptibility 1; RYR1-Related Malignant Hyperthermia Susceptibility; Anesthesia related hyperthermia; Malignant hyperpyrexia; Fulminating hyperpyrexia; Pharmacogenic myopathy. Identifiers: Orphanet 423, MedGen C2930980, MONDO:0007783, OMIM 145600.
Multiminicore myopathy. Identifiers: Orphanet 598, MedGen C0270962, MONDO:0018948.
Central core myopathy (CMYO1A). Also called: CONGENITAL MYOPATHY 1A, AUTOSOMAL DOMINANT, WITH SUSCEPTIBILITY TO MALIGNANT HYPERTHERMIA; Central core disease; Myopathy, central fibrillar. Identifiers: Orphanet 597, MedGen C5830701, MONDO:0007294, OMIM 117000.
Congenital myopathy with fiber type disproportion. Also called: Congenital fiber-type disproportion myopathy; Congenital fiber-type disproportion. Identifiers: Orphanet 2020, MedGen C0546264, MONDO:0009711. Inheritance: all.

gnomAD v4.1: 1 of 1,613,772 alleles (0.000062%); no homozygotes.

Submission:

Labcorp Genetics (formerly Invitae), Labcorp
Classification: Uncertain significance for RYR1-related disorder. Last evaluated: 2021-02-13. Review status: criteria provided, single submitter. Criteria: Invitae Variant Classification Sherloc (09022015). Collection method: clinical testing. Allele origin: germline.
Comment: This sequence change replaces arginine with glycine at codon 1727 of the RYR1 protein (p.Arg1727Gly). The arginine residue is moderately conserved and there is a moderate physicochemical difference between arginine and glycine. In summary, the available evidence is currently insufficient to determine the role of this variant in disease. Therefore, it has been classified as a Variant of Uncertain Significance. Algorithms developed to predict the effect of missense changes on protein structure and function are either unavailable or do not agree on the potential impact of this missense change (SIFT: "Deleterious"; PolyPhen-2: "Possibly Damaging"; Align-GVGD: "Class C0"). This variant has not been reported in the literature in individuals with RYR1-related conditions. This variant is not present in population databases (ExAC no frequency).

NM_000540.3(RYR1):c.5179C>G (p.Arg1727Gly)

Gene: RYR1 (ryanodine receptor 1; plus strand). Cytogenetic location: 19q13.2.
Variant type: single nucleotide variant.
Coding change: c.5179C>G on transcript NM_000540.3 (MANE Select); coding-DNA position 5179, C replaced by G.
Protein change: p.Arg1727Gly; replaces arginine 1727 with glycine.
Molecular consequence: missense variant.
Genome position (GRCh38, 1-based): chr19:38,485,834, C>G. VCF-style: chr19-38485834-C-G. GRCh37 (hg19) VCF-style: chr19-38976474-C-G.
Other names: c.5179C>G, p.Arg1727Gly (NM_001042723.2); short protein forms R1727G.
Identifiers: ClinVar variation 948541 (VCV000948541.10), dbSNP rs764448031, ClinGen allele CA405654077.
Genomic context (GRCh38, chr19:38,485,834, plus strand): 5'-CGCGCAGGCTACTATGACCTCCTCATCAGCATCCACCTCGAAAGTGCCTGCCGCAGCCGC[C>G]GCTCCATGCTCTCTGAATACATCGTGCCCCTCACGCCTGAGACCCGCGCCATCACGCTCT-3'
Protein context (NP_000531.2, residues 1717-1737): IHLESACRSR[Arg1727Gly]SMLSEYIVPL